The following is an entry in ClinVar:

NM_000038.6(APC):c.5677A>G (p.Lys1893Glu)

Gene: APC (APC regulator of Wnt signaling pathway; plus strand). Cytogenetic location: 5q22.2.
Variant type: single nucleotide variant.
Coding change: c.5677A>G on transcript NM_000038.6 (MANE Select); coding-DNA position 5677, A replaced by G.
Protein change: p.Lys1893Glu; replaces lysine 1893 with glutamic acid.
Molecular consequence: missense variant.
Genome position (GRCh38, 1-based): chr5:112,841,271, A>G. VCF-style: chr5-112841271-A-G. GRCh37 (hg19) VCF-style: chr5-112176968-A-G.
Other names: c.5677A>G, p.Lys1893Glu (NM_001127510.3, NM_001354895.2); c.5623A>G, p.Lys1875Glu (NM_001127511.3); c.5731A>G, p.Lys1911Glu (NM_001354896.2); c.5707A>G, p.Lys1903Glu (NM_001354897.2); c.5602A>G, p.Lys1868Glu (NM_001354898.2); c.5593A>G, p.Lys1865Glu (NM_001354899.2); c.5554A>G, p.Lys1852Glu (NM_001354900.2); c.5500A>G, p.Lys1834Glu (NM_001354901.2); and 5 more; short protein forms K1875E, K1893E, K1792E, K1802E, K1834E, K1868E, K1911E, K1610E.
Identifiers: ClinVar variation 482259 (VCV000482259.18), dbSNP rs765729481, ClinGen allele CA042579.

ClinVar aggregate classification (germline): Conflicting classifications of pathogenicity. Review status: criteria provided, conflicting classifications (1 of 4 stars). 4 submissions from 4 submitters: Uncertain significance (3); Likely benign (1). Last evaluated 2025-11-02.

Conditions:
Hereditary cancer-predisposing syndrome. Also called: Neoplastic Syndromes, Hereditary; Tumor predisposition; Hereditary Cancer Syndrome; Hereditary neoplastic syndrome. Identifiers: Orphanet 140162, MedGen C0027672, MeSH D009386, MONDO:0015356.
Classic or attenuated familial adenomatous polyposis. Identifiers: MedGen CN372698, MONDO:0021057.
Familial adenomatous polyposis 1 (FAP1). Also called: FAMILIAL ADENOMATOUS POLYPOSIS 1, ATTENUATED; POLYPOSIS, ADENOMATOUS INTESTINAL. Identifiers: MedGen C2713442, MONDO:0021056, OMIM 175100. Disease mechanism: loss of function.

Allele frequency attached by ClinVar (database versions not stated): TOPMed below 0.00001; ExAC 0.00001; gnomAD 0.00001; gnomAD exomes 0.00001.
gnomAD v4.1: 10 of 1,613,710 alleles (0.00062%); highest among the groups gnomAD compares: African/African-American, 0.004%; no homozygotes.

Submissions (4):

Labcorp Genetics (formerly Invitae), Labcorp
Classification: Uncertain significance for Familial adenomatous polyposis 1. Last evaluated: 2025-11-02. Review status: criteria provided, single submitter. Criteria: Invitae Variant Classification Sherloc (09022015). Collection method: clinical testing. Allele origin: germline.
Comment: This sequence change replaces lysine, which is basic and polar, with glutamic acid, which is acidic and polar, at codon 1893 of the APC protein (p.Lys1893Glu). This variant is present in population databases (rs765729481, gnomAD 0.01%). This variant has not been reported in the literature in individuals affected with APC-related conditions. ClinVar contains an entry for this variant (Variation ID: 482259). Invitae Evidence Modeling of protein sequence and biophysical properties (such as structural, functional, and spatial information, amino acid conservation, physicochemical variation, residue mobility, and thermodynamic stability) indicates that this missense variant is not expected to disrupt APC protein function with a negative predictive value of 95%. In summary, the available evidence is currently insufficient to determine the role of this variant in disease. Therefore, it has been classified as a Variant of Uncertain Significance.

Baylor Genetics
Classification: Uncertain significance for Familial adenomatous polyposis 1. Last evaluated: 2023-09-13. Review status: criteria provided, single submitter. Criteria: ACMG Guidelines, 2015. Collection method: clinical testing. Allele origin: unknown.

All of Us Research Program, National Institutes of Health
Classification: Uncertain significance for Classic or attenuated familial adenomatous polyposis. Last evaluated: 2023-05-30. Review status: criteria provided, single submitter. Criteria: ACMG Guidelines, 2015. Collection method: clinical testing. Allele origin: germline. Inheritance: Autosomal dominant inheritance. Observed: 1 variant allele, 1 heterozygote.
Comment: This missense variant replaces lysine with glutamic acid at codon 1893 of the APC protein. Computational prediction suggests that this variant may not impact protein structure and function (internally defined REVEL score threshold <= 0.5, PMID: 27666373). To our knowledge, functional studies have not been reported for this variant. This variant has not been reported in individuals affected with APC-related disorders in the literature. This variant has been identified in 3/282402 chromosomes in the general population by the Genome Aggregation Database (gnomAD). The available evidence is insufficient to determine the role of this variant in disease conclusively. Therefore, this variant is classified as a Variant of Uncertain Significance.

This study involves interpretation of variants in research participants for the purpose of population health screening. Participant phenotype was not available at the time of variant classification. Additional details can be found in publication PMID: 35346344, PMCID: PMC8962531

Ambry Genetics
Classification: Likely benign for Hereditary cancer-predisposing syndrome. Last evaluated: 2023-03-24. Review status: criteria provided, single submitter. Criteria: Ambry Variant Classification Scheme 2023. Collection method: clinical testing. Allele origin: germline.

Literature cited by the submitters: PubMed 29684080 (cited by Ambry Genetics).